The following is an entry in ClinVar:

NM_002303.6(LEPR):c.2674-5785T>A

Gene: LEPR (leptin receptor; plus strand). Cytogenetic location: 1p31.3.
Variant type: single nucleotide variant.
Coding change: c.2674-5785T>A on transcript NM_002303.6 (MANE Select); 5785 bases into the intron before coding-DNA position 2674, T replaced by A.
Molecular consequence: intron variant. On other transcripts: 3 prime UTR variant (2).
Genome position (GRCh38, 1-based): chr1:65,630,406, T>A. VCF-style: chr1-65630406-T-A. GRCh37 (hg19) VCF-style: chr1-66096089-T-A.
Other names: c.*1T>A (NM_001003680.3, NM_001198687.2); c.2674-2746T>A (NM_001003679.3, NM_001198689.2).
Identifiers: ClinVar variation 3041715 (VCV003041715.2), dbSNP rs1370972380, ClinGen allele CA523593543.

ClinVar aggregate classification (germline): Likely benign (0 of 4 stars; one submission).

Conditions:
LEPR-related disorder. Also called: LEPR-related disorders; LEPR-related condition.

Submission:

PreventionGenetics, part of Exact Sciences
Classification: Likely benign for LEPR-related condition. Last evaluated: 2023-12-14. Review status: no assertion criteria provided. Collection method: clinical testing. Allele origin: germline.
Comment: This variant is classified as likely benign based on ACMG/AMP sequence variant interpretation guidelines (Richards et al. 2015 PMID: 25741868, with internal and published modifications).